The following is an entry in ClinVar:

NM_002180.3(IGHMBP2):c.1632+1G>T

Genes: IGHMBP2 (immunoglobulin mu DNA binding protein 2; plus strand), LOC126861245 (CDK7 strongly-dependent group 2 enhancer GRCh37_chr11:68701479-68702678; plus strand). Cytogenetic location: 11q13.3.
Variant type: single nucleotide variant.
Coding change: c.1632+1G>T on transcript NM_002180.3 (MANE Select); the canonical splice donor site of the intron after coding-DNA position 1632, G replaced by T.
Molecular consequence: splice donor variant.
Genome position (GRCh38, 1-based): chr11:68,934,559, G>T. VCF-style: chr11-68934559-G-T. GRCh37 (hg19) VCF-style: chr11-68702027-G-T.
Identifiers: ClinVar variation 2929158 (VCV002929158.4), dbSNP rs2496062221, ClinGen allele CA381650989.

ClinVar aggregate classification (germline): Likely pathogenic. Review status: criteria provided, multiple submitters, no conflicts (2 of 4 stars). 2 submissions from 2 submitters: Likely pathogenic (2). Last evaluated 2024-07-05.

Conditions:
Autosomal recessive distal spinal muscular atrophy 1. Also called: NEURONOPATHY, DISTAL HEREDITARY MOTOR, HARDING TYPE VI; NEUROPATHY, DISTAL HEREDITARY MOTOR, AUTOSOMAL RECESSIVE 1; HMN VI; NEURONOPATHY, SEVERE INFANTILE AXONAL, WITH RESPIRATORY FAILURE; SEVERE INFANTILE AXONAL NEUROPATHY WITH RESPIRATORY FAILURE; SPINAL MUSCULAR ATROPHY, DIAPHRAGMATIC. Identifiers: Orphanet 98920, MedGen C1858517, MONDO:0011436, OMIM 604320.
Charcot-Marie-Tooth disease axonal type 2S. Also called: CHARCOT-MARIE-TOOTH DISEASE, AXONAL, AUTOSOMAL RECESSIVE, TYPE 2S; CHARCOT-MARIE-TOOTH NEUROPATHY, TYPE 2S. Identifiers: Orphanet 443073, MedGen C4015349, MONDO:0014511, OMIM 616155.
IGHMBP2-related disorder. Also called: IGHMBP2-related condition; IGHMBP2-related disorders.

Submissions (2):

Blueprint Genetics
Classification: Likely pathogenic for IGHMBP2-related disorders. Last evaluated: 2024-07-05. Review status: criteria provided, single submitter. Criteria: ACMG Guidelines, 2015. Collection method: clinical testing. Allele origin: germline. Affected: yes. Observed: 1 variant allele.

Labcorp Genetics (formerly Invitae), Labcorp
Classification: Likely pathogenic for Autosomal recessive distal spinal muscular atrophy 1; Charcot-Marie-Tooth disease axonal type 2S. Last evaluated: 2023-12-01. Review status: criteria provided, single submitter. Criteria: Invitae Variant Classification Sherloc (09022015). Collection method: clinical testing. Allele origin: germline.
Comment: This sequence change affects a donor splice site in intron 11 of the IGHMBP2 gene. It is expected to disrupt RNA splicing. Variants that disrupt the donor or acceptor splice site typically lead to a loss of protein function (PMID: 16199547), and loss-of-function variants in IGHMBP2 are known to be pathogenic (PMID: 14681881, 25439726, 25568292). This variant is not present in population databases (gnomAD no frequency). This variant has not been reported in the literature in individuals affected with IGHMBP2-related conditions. Algorithms developed to predict the effect of sequence changes on RNA splicing suggest that this variant may disrupt the consensus splice site. In summary, the currently available evidence indicates that the variant is pathogenic, but additional data are needed to prove that conclusively. Therefore, this variant has been classified as Likely Pathogenic.

Literature cited by the submitters: PubMed 16199547 (cited by Labcorp Genetics (formerly Invitae), Labcorp); PubMed 14681881 (cited by Labcorp Genetics (formerly Invitae), Labcorp); PubMed 25439726 (cited by Labcorp Genetics (formerly Invitae), Labcorp); PubMed 25568292 (cited by Labcorp Genetics (formerly Invitae), Labcorp).